The following is an entry in ClinVar:

ClinVar aggregate classification (germline): Uncertain significance (1 of 4 stars; one submission).

gnomAD v4.1: 10 of 1,613,914 alleles (0.00062%); highest among the groups gnomAD compares: Non-Finnish European, 0.00076%; no homozygotes.

Submission:

Labcorp Genetics (formerly Invitae), Labcorp
Classification: Uncertain significance. Last evaluated: 2025-05-27. Review status: criteria provided, single submitter. Criteria: Invitae Variant Classification Sherloc (09022015). Collection method: clinical testing. Allele origin: germline.
Comment: This sequence change replaces asparagine, which is neutral and polar, with threonine, which is neutral and polar, at codon 94 of the TUBB1 protein (p.Asn94Thr). This variant is present in population databases (no rsID available, gnomAD 0.0009%). This variant has not been reported in the literature in individuals affected with TUBB1-related conditions. Invitae Evidence Modeling of protein sequence and biophysical properties (such as structural, functional, and spatial information, amino acid conservation, physicochemical variation, residue mobility, and thermodynamic stability) indicates that this missense variant is not expected to disrupt TUBB1 protein function with a negative predictive value of 80%. In summary, the available evidence is currently insufficient to determine the role of this variant in disease. Therefore, it has been classified as a Variant of Uncertain Significance.

NM_030773.4(TUBB1):c.281A>C (p.Asn94Thr)

Gene: TUBB1 (tubulin beta 1 class VI; plus strand). Cytogenetic location: 20q13.32.
Variant type: single nucleotide variant.
Coding change: c.281A>C on transcript NM_030773.4 (MANE Select); coding-DNA position 281, A replaced by C.
Protein change: p.Asn94Thr; replaces asparagine 94 with threonine.
Molecular consequence: missense variant.
Genome position (GRCh38, 1-based): chr20:59,023,708, A>C. VCF-style: chr20-59023708-A-C. GRCh37 (hg19) VCF-style: chr20-57598763-A-C.
Other names: short protein forms N94T.
Identifiers: ClinVar variation 4760094 (VCV004760094.1).